The following is an entry in ClinVar:

NM_014159.7(SETD2):c.5189_5190del (p.Leu1729_Ser1730insTer)

Gene: SETD2 (SET domain containing 2, histone lysine methyltransferase; minus strand). Cytogenetic location: 3p21.31.
Variant type: Microsatellite.
Coding change: c.5189_5190del on transcript NM_014159.7 (MANE Select); coding-DNA positions 5189 to 5190, 2 bases deleted (CT; older notation c.5189_5190delCT).
Protein change: p.Leu1729_Ser1730insTer.
Molecular consequence: nonsense. On other transcripts: non-coding transcript variant (1).
Genome position (GRCh38, 1-based): chr3:47,088,200-47,088,201, AG deleted on the plus strand (CT on the coding strand, the reverse complement: SETD2 is on the minus strand); deleting any 2 consecutive bases within chr3:47,088,200-47,088,206 gives the same sequence; the c. name uses the placement nearest the transcript's 3' end. VCF-style (leftmost placement, unchanged base first): chr3-47088199-CAG-C. GRCh37 (hg19) VCF-style: chr3-47129689-CAG-C.
Other names: c.5057_5058del, p.Leu1685_Ser1686insTer (NM_001349370.3).
Identifiers: ClinVar variation 4714928 (VCV004714928.1).

ClinVar aggregate classification (germline): Pathogenic (1 of 4 stars; one submission).

Conditions:
Luscan-Lumish syndrome. Identifiers: Orphanet 597738, MedGen C4085873, MONDO:0014791, OMIM 616831.

Submission:

Labcorp Genetics (formerly Invitae), Labcorp
Classification: Pathogenic for Luscan-Lumish syndrome. Last evaluated: 2025-03-12. Review status: criteria provided, single submitter. Criteria: Invitae Variant Classification Sherloc (09022015). Collection method: clinical testing. Allele origin: germline.
Comment: This sequence change creates a premature translational stop signal (p.Ser1730*) in the SETD2 gene. It is expected to result in an absent or disrupted protein product. Loss-of-function variants in SETD2 are known to be pathogenic (PMID: 24852293, 26084711). This variant is not present in population databases (gnomAD no frequency). This variant has not been reported in the literature in individuals affected with SETD2-related conditions. Algorithms developed to predict the effect of sequence changes on RNA splicing suggest that this variant may disrupt the consensus splice site. For these reasons, this variant has been classified as Pathogenic.

Literature cited by the submitters: PubMed 24852293; PubMed 26084711.